The following is an entry in ClinVar:

ClinVar aggregate classification (germline): Likely pathogenic (1 of 4 stars; one submission).

Conditions:
Combined oxidative phosphorylation defect type 8. Also called: CARDIOMYOPATHY, HYPERTROPHIC MITOCHONDRIAL, FATAL INFANTILE. Identifiers: Orphanet 319504, MedGen C4518839, MONDO:0013570, OMIM 614096.
Leukoencephalopathy, progressive, with ovarian failure (LKENP). Identifiers: Orphanet 99853, MedGen C4014588, MONDO:0014387, OMIM 615889.

Submission:

Juno Genomics, Hangzhou Juno Genomics, Inc
Classification: Likely pathogenic for Combined oxidative phosphorylation defect type 8; Leukoencephalopathy, progressive, with ovarian failure. Review status: criteria provided, single submitter. Criteria: ACMG Guidelines, 2015. Collection method: clinical testing. Allele origin: germline.
Comment: Absent from controls (or at extremely low frequency if recessive) in Genome Aggregation Database.;Null variant in a gene where loss of function (LOF) is a known mechanism of disease.

NM_020745.4(AARS2):c.1040del (p.Pro347fs)

Gene: AARS2 (alanyl-tRNA synthetase 2, mitochondrial; minus strand). Cytogenetic location: 6p21.1.
Variant type: Deletion.
Coding change: c.1040del on transcript NM_020745.4 (MANE Select); coding-DNA position 1040, one base deleted (C; older notation c.1040delC).
Protein change: p.Pro347fs; shifts the reading frame from proline 347.
Molecular consequence: frameshift variant.
Genome position (GRCh38, 1-based): chr6:44,307,249, G deleted on the plus strand (C on the coding strand, the reverse complement: AARS2 is on the minus strand); the first of 5 consecutive G bases (chr6:44,307,249-44,307,253); deleting any one gives the same sequence. VCF-style (leftmost placement, unchanged base first): chr6-44307248-CG-C. GRCh37 (hg19) VCF-style: chr6-44274985-CG-C.
Other names: short protein forms P347fs.
Identifiers: ClinVar variation 5019061 (VCV005019061.2).
Genomic context (GRCh38, chr6:44,307,248, plus strand): 5'-TCCCTCCTCCACCTGAGACCCCCAGCAGCCCCTGTCCTCTCTGTAGCCCTTCCAGACTCA[CG>C]GGGGACCTGACATCCCAGGGAAGATGCCATCAGAGATGCAGACACTGAGTGTGCGGATGT-3'